The following is an entry in ClinVar:

NM_000090.4(COL3A1):c.2352C>T (p.Ala784=)

Genes: COL3A1 (collagen type III alpha 1 chain; plus strand), LOC126806446 (P300/CBP strongly-dependent group 1 enhancer GRCh37_chr2:189866210-189867409; plus strand). Cytogenetic location: 2q32.2.
Variant type: single nucleotide variant.
Coding change: c.2352C>T on transcript NM_000090.4 (MANE Select); coding-DNA position 2352, C replaced by T.
Protein change: p.Ala784=; no amino-acid change (alanine 784 retained).
Molecular consequence: synonymous variant.
Genome position (GRCh38, 1-based): chr2:189,001,550, C>T. VCF-style: chr2-189001550-C-T. GRCh37 (hg19) VCF-style: chr2-189866276-C-T.
Identifiers: ClinVar variation 3386466 (VCV003386466.3).

ClinVar aggregate classification (germline): Likely benign. Review status: criteria provided, multiple submitters, no conflicts (2 of 4 stars). 2 submissions from 2 submitters: Likely benign (2). Last evaluated 2025-11-21.

Conditions:
Ehlers-Danlos syndrome, type 4 (EDSVASC). Also called: Ehlers-Danlos syndrome vascular type; Ehlers Danlos syndrome, ecchymotic type; Ehlers Danlos syndrome, arterial type; Ehlers Danlos syndrome, Sack-Barabas type; Ehlers-Danlos Syndrome Type IV. Identifiers: Orphanet 286, MedGen C0268338, MONDO:0017314, OMIM 130050.

gnomAD v4.1: 1 of 1,613,908 alleles (0.000062%); highest among the groups gnomAD compares: South Asian, 0.0011%; no homozygotes.

Submissions (2):

Labcorp Genetics (formerly Invitae), Labcorp
Classification: Likely benign for Ehlers-Danlos syndrome, type 4. Last evaluated: 2025-11-21. Review status: criteria provided, single submitter. Criteria: Invitae Variant Classification Sherloc (09022015). Collection method: clinical testing. Allele origin: germline.

All of Us Research Program, National Institutes of Health
Classification: Likely benign for Ehlers-Danlos syndrome, type 4. Last evaluated: 2024-03-14. Review status: criteria provided, single submitter. Criteria: ACMG Guidelines, 2015. Collection method: clinical testing. Allele origin: germline. Inheritance: Autosomal dominant inheritance. Observed: 1 variant allele, 1 heterozygote.
Comment: This study involves interpretation of variants in research participants for the purpose of population health screening. Participant phenotype was not available at the time of variant classification. Additional details can be found in publication PMID: 35346344, PMCID: PMC8962531